The following is an entry in ClinVar:

ClinVar aggregate classification (germline): Likely benign (0 of 4 stars; one submission).

Conditions:
AGBL1-related disorder. Also called: AGBL1-related condition.

Allele frequency attached by ClinVar (database versions not stated): gnomAD exomes 0.00012; ExAC 0.00044; ESP Exome Variant Server 0.00136; 1000 Genomes Project 0.00140; 1000 Genomes Project 30x 0.00141; gnomAD 0.00150; TOPMed 0.00155.
gnomAD v4.1: 418 of 1,608,638 alleles (0.026%); highest among the groups gnomAD compares: African/African-American, 0.48%; 1 homozygote.

Submission:

PreventionGenetics, part of Exact Sciences
Classification: Likely benign for AGBL1-related condition. Last evaluated: 2019-02-28. Review status: no assertion criteria provided. Collection method: clinical testing. Allele origin: germline.
Comment: This variant is classified as likely benign based on ACMG/AMP sequence variant interpretation guidelines (Richards et al. 2015 PMID: 25741868, with internal and published modifications).

NM_001386094.1(AGBL1):c.2541T>C (p.Gly847=)

Gene: AGBL1 (AGBL carboxypeptidase 1; plus strand). Cytogenetic location: 15q25.3.
Variant type: single nucleotide variant.
Coding change: c.2541T>C on transcript NM_001386094.1 (MANE Select); coding-DNA position 2541, T replaced by C.
Protein change: p.Gly847=; no amino-acid change (glycine 847 retained).
Molecular consequence: synonymous variant.
Genome position (GRCh38, 1-based): chr15:86,397,532, T>C. VCF-style: chr15-86397532-T-C. GRCh37 (hg19) VCF-style: chr15-86940763-T-C.
Other names: c.2541T>C, p.Gly847= (NM_152336.4).
Identifiers: ClinVar variation 3046171 (VCV003046171.2), dbSNP rs143522733, ClinGen allele CA7716114.